The following is an entry in ClinVar:

NM_172107.4(KCNQ2):c.457C>A (p.Arg153=)

Gene: KCNQ2 (potassium voltage-gated channel subfamily Q member 2; minus strand). Cytogenetic location: 20q13.33.
Variant type: single nucleotide variant.
Coding change: c.457C>A on transcript NM_172107.4 (MANE Select); coding-DNA position 457, C replaced by A.
Protein change: p.Arg153=; no amino-acid change (arginine 153 retained).
Molecular consequence: synonymous variant.
Genome position (GRCh38, 1-based): chr20:63,445,295, G>T on the plus strand (C>A on the coding strand, the complement: KCNQ2 is on the minus strand). VCF-style: chr20-63445295-G-T. GRCh37 (hg19) VCF-style: chr20-62076648-G-T.
Other names: c.457C>A, p.Arg153= (NM_001382235.1, NM_004518.6, NM_172106.3 and 2 more transcripts); c.457C>A (NM_172107.2).
Identifiers: ClinVar variation 2700533 (VCV002700533.4), dbSNP rs1568941635, ClinGen allele CA511212220.

ClinVar aggregate classification (germline): Conflicting classifications of pathogenicity. Review status: criteria provided, conflicting classifications (1 of 4 stars). 2 submissions from 2 submitters: Pathogenic (1); Uncertain significance (1). Last evaluated 2024-06-22.

Conditions:
Early-infantile DEE. Also called: Ohtahara syndrome; Early infantile epileptic encephalopathy with suppression bursts; Early infantile epileptic encephalopathy. Identifiers: Orphanet 1934, MedGen C0393706, MONDO:0800491.

Submissions (2):

GeneDx
Classification: Uncertain significance. Last evaluated: 2024-06-22. Review status: criteria provided, single submitter. Criteria: GeneDx Variant Classification Process June 2021. Collection method: clinical testing. Allele origin: germline. Affected: yes.
Comment: In silico analysis suggests this variant may impact gene splicing. In the absence of RNA/functional studies, the actual effect of this sequence change is unknown.; Not observed at significant frequency in large population cohorts (gnomAD); Has not been previously published as pathogenic or benign to our knowledge

Labcorp Genetics (formerly Invitae), Labcorp
Classification: Pathogenic for Early-infantile DEE. Last evaluated: 2024-03-04. Review status: criteria provided, single submitter. Criteria: Invitae Variant Classification Sherloc (09022015). Collection method: clinical testing. Allele origin: germline.
Comment: This sequence change affects codon 153 of the KCNQ2 mRNA. It is a 'silent' change, meaning that it does not change the encoded amino acid sequence of the KCNQ2 protein. This variant is not present in population databases (gnomAD no frequency). This variant has been observed in individual(s) with clinical features of KCNQ2-related conditions (Invitae). In at least one individual the variant was observed to be de novo. Algorithms developed to predict the effect of sequence changes on RNA splicing suggest that this variant may disrupt the consensus splice site. For these reasons, this variant has been classified as Pathogenic.